The following is an entry in ClinVar:

NM_001122769.3(LCA5):c.165T>G (p.Thr55=)

Gene: LCA5 (lebercilin LCA5; minus strand). Cytogenetic location: 6q14.1.
Variant type: single nucleotide variant.
Coding change: c.165T>G on transcript NM_001122769.3 (MANE Select); coding-DNA position 165, T replaced by G.
Protein change: p.Thr55=; no amino-acid change (threonine 55 retained).
Molecular consequence: synonymous variant.
Genome position (GRCh38, 1-based): chr6:79,518,730, A>C on the plus strand (T>G on the coding strand, the complement: LCA5 is on the minus strand). VCF-style: chr6-79518730-A-C. GRCh37 (hg19) VCF-style: chr6-80228447-A-C.
Other names: c.165T>G, p.Thr55= (NM_181714.4).
Identifiers: ClinVar variation 736110 (VCV000736110.15), dbSNP rs534076319, ClinGen allele CA3901196.

ClinVar aggregate classification (germline): Likely benign. Review status: criteria provided, multiple submitters, no conflicts (2 of 4 stars). 4 submissions from 4 submitters: Likely benign (2). 2 of the submissions do not count toward it. Last evaluated 2025-12-30.

Conditions:
LCA5-related disorder. Also called: LCA5-related condition.
Leber congenital amaurosis (LCA). Also called: Leber's amaurosis. Identifiers: Orphanet 65, MedGen C0339527, MeSH D057130, MONDO:0018998.

Allele frequency attached by ClinVar (database versions not stated): gnomAD below 0.00001 and 0.00005; TOPMed 0.00001; gnomAD exomes 0.00010 and 0.00021; ExAC 0.00026; 1000 Genomes Project 0.00060; 1000 Genomes Project 30x 0.00062.
gnomAD v4.1: 152 of 1,614,086 alleles (0.0094%); highest among the groups gnomAD compares: South Asian, 0.16%; 4 homozygotes.

Submissions (4):

Labcorp Genetics (formerly Invitae), Labcorp
Classification: Likely benign. Last evaluated: 2025-12-30. Review status: criteria provided, single submitter. Criteria: Invitae Variant Classification Sherloc (09022015). Collection method: clinical testing. Allele origin: germline.

Blueprint Genetics
Classification: Likely benign. Last evaluated: 2024-09-06. Review status: criteria provided, single submitter. Criteria: ACMG Guidelines, 2015. Collection method: clinical testing. Allele origin: germline.

Natera, Inc.
Classification: Uncertain significance for Leber congenital amaurosis. Last evaluated: 2020-04-17. Review status: no assertion criteria provided. Collection method: clinical testing. Allele origin: germline. Not counted in ClinVar's aggregate classification.

PreventionGenetics, part of Exact Sciences
Classification: Likely benign for LCA5-related condition. Last evaluated: 2020-01-08. Review status: no assertion criteria provided. Collection method: clinical testing. Allele origin: germline. Not counted in ClinVar's aggregate classification.
Comment: This variant is classified as likely benign based on ACMG/AMP sequence variant interpretation guidelines (Richards et al. 2015 PMID: 25741868, with internal and published modifications).